The following is an entry in ClinVar:

NM_001166114.2(PNPLA6):c.829C>T (p.Arg277Trp)

Gene: PNPLA6 (patatin like domain 6, lysophospholipase; plus strand). Cytogenetic location: 19p13.2.
Variant type: single nucleotide variant.
Coding change: c.829C>T on transcript NM_001166114.2 (MANE Select); coding-DNA position 829, C replaced by T.
Protein change: p.Arg277Trp; replaces arginine 277 with tryptophan.
Molecular consequence: missense variant.
Genome position (GRCh38, 1-based): chr19:7,540,956, C>T. VCF-style: chr19-7540956-C-T. GRCh37 (hg19) VCF-style: chr19-7605842-C-T.
Other names: c.856C>T, p.Arg286Trp (NM_001166111.2); c.712C>T, p.Arg238Trp (NM_001166112.2, NM_001166113.1, NM_006702.5); short protein forms R277W, R286W, R238W.
Identifiers: ClinVar variation 2796370 (VCV002796370.3), dbSNP rs2023107348, ClinGen allele CA403106192.

ClinVar aggregate classification (germline): Uncertain significance (1 of 4 stars; one submission).

Conditions:
Hereditary spastic paraplegia 39 (SPG39). Also called: SPASTIC PARAPLEGIA 39, AUTOSOMAL RECESSIVE; Spastic Paraplegia Type 39 (SPG39). Identifiers: Orphanet 139480, MedGen C2677586, MONDO:0012787, OMIM 612020.

Allele frequency attached by ClinVar (database versions not stated): gnomAD exomes below 0.00001; TOPMed below 0.00001.

Submission:

Labcorp Genetics (formerly Invitae), Labcorp
Classification: Uncertain significance for Hereditary spastic paraplegia 39. Last evaluated: 2022-11-19. Review status: criteria provided, single submitter. Criteria: Invitae Variant Classification Sherloc (09022015). Collection method: clinical testing. Allele origin: germline.
Comment: This variant has not been reported in the literature in individuals affected with PNPLA6-related conditions. In summary, the available evidence is currently insufficient to determine the role of this variant in disease. Therefore, it has been classified as a Variant of Uncertain Significance. Advanced modeling of protein sequence and biophysical properties (such as structural, functional, and spatial information, amino acid conservation, physicochemical variation, residue mobility, and thermodynamic stability) performed at Invitae indicates that this missense variant is expected to disrupt PNPLA6 protein function. This variant is not present in population databases (gnomAD no frequency). This sequence change replaces arginine, which is basic and polar, with tryptophan, which is neutral and slightly polar, at codon 238 of the PNPLA6 protein (p.Arg238Trp).